The following is an entry in ClinVar:

ClinVar aggregate classification (germline): Uncertain significance (1 of 4 stars; one submission).

Allele frequency attached by ClinVar (database versions not stated): gnomAD exomes below 0.00001.

Submission:

Labcorp Genetics (formerly Invitae), Labcorp
Classification: Uncertain significance. Last evaluated: 2024-10-26. Review status: criteria provided, single submitter. Criteria: Invitae Variant Classification Sherloc (09022015). Collection method: clinical testing. Allele origin: germline.
Comment: This sequence change replaces arginine, which is basic and polar, with glycine, which is neutral and non-polar, at codon 363 of the RGS9 protein (p.Arg363Gly). This variant is present in population databases (no rsID available, gnomAD 0.0009%). This variant has not been reported in the literature in individuals affected with RGS9-related conditions. ClinVar contains an entry for this variant (Variation ID: 864228). Invitae Evidence Modeling of protein sequence and biophysical properties (such as structural, functional, and spatial information, amino acid conservation, physicochemical variation, residue mobility, and thermodynamic stability) indicates that this missense variant is not expected to disrupt RGS9 protein function with a negative predictive value of 80%. In summary, the available evidence is currently insufficient to determine the role of this variant in disease. Therefore, it has been classified as a Variant of Uncertain Significance.

NM_003835.4(RGS9):c.1087A>G (p.Arg363Gly)

Gene: RGS9 (regulator of G protein signaling 9; plus strand). Cytogenetic location: 17q24.1.
Variant type: single nucleotide variant.
Coding change: c.1087A>G on transcript NM_003835.4 (MANE Select); coding-DNA position 1087, A replaced by G.
Protein change: p.Arg363Gly; replaces arginine 363 with glycine.
Molecular consequence: missense variant.
Genome position (GRCh38, 1-based): chr17:65,204,185, A>G. VCF-style: chr17-65204185-A-G. GRCh37 (hg19) VCF-style: chr17-63200303-A-G.
Other names: c.1078A>G, p.Arg360Gly (NM_001081955.3, NM_001165933.2); short protein forms R360G, R363G.
Identifiers: ClinVar variation 864228 (VCV000864228.10), dbSNP rs1181511179, ClinGen allele CA400669933.
Genomic context (GRCh38, chr17:65,204,185, plus strand): 5'-GTTTAGTTACTTTTGCTAACATCTCCCTCCCACCCCAGGCTGTTCCTGGCCCCGGGGGCG[A>G]GGCGCTGGATCAACATAGATGGCAAAACCATGGACATCACAGTGAAGGGGCTGAAGCACC-3'
Protein context (NP_003826.2, residues 353-373): IYKLFLAPGA[Arg363Gly]RWINIDGKTM